The following is an entry in ClinVar:

ClinVar aggregate classification (germline): Uncertain significance. Review status: criteria provided, multiple submitters, no conflicts (2 of 4 stars). 5 submissions from 5 submitters: Uncertain significance (5). Last evaluated 2025-09-22.

Conditions:
Inborn genetic diseases. Identifiers: MedGen C0950123, MeSH D030342.
Finnish type amyloidosis. Also called: Amyloidosis, familial, Finnish type; Meretoja type amyloidosis; Amyloidosis 5; AMYLOIDOSIS, HEREDITARY SYSTEMIC 4, FINNISH TYPE; AMYLOID CRANIAL NEUROPATHY WITH LATTICE CORNEAL DYSTROPHY; AMYLOIDOSIS DUE TO MUTANT GELSOLIN. Identifiers: Orphanet 85448, MedGen C1622345, MONDO:0007097, OMIM 105120.

Allele frequency attached by ClinVar (database versions not stated): ExAC 0.00002; TOPMed 0.00002; gnomAD 0.00003 and 0.00004; gnomAD exomes 0.00003; ESP Exome Variant Server 0.00008.
gnomAD v4.1: 48 of 1,609,400 alleles (0.003%); highest among the groups gnomAD compares: Non-Finnish European, 0.0038%; no homozygotes.

Submissions (5):

Labcorp Genetics (formerly Invitae), Labcorp
Classification: Uncertain significance. Last evaluated: 2025-09-22. Review status: criteria provided, single submitter. Criteria: Invitae Variant Classification Sherloc (09022015). Collection method: clinical testing. Allele origin: germline.
Comment: This sequence change affects a donor splice site in intron 6 of the GSN gene. It is expected to disrupt RNA splicing. Variants that disrupt the donor or acceptor splice site typically lead to a loss of protein function (PMID: 16199547), however the current clinical and genetic evidence is not sufficient to establish whether loss-of-function variants in GSN cause disease. This variant is present in population databases (rs369830648, gnomAD 0.006%). This variant has not been reported in the literature in individuals affected with GSN-related conditions. ClinVar contains an entry for this variant (Variation ID: 1349492). Algorithms developed to predict the effect of sequence changes on RNA splicing suggest that this variant may disrupt the consensus splice site. In summary, the available evidence is currently insufficient to determine the role of this variant in disease. Therefore, it has been classified as a Variant of Uncertain Significance.

Fulgent Genetics
Classification: Uncertain significance for Finnish type amyloidosis. Last evaluated: 2023-12-26. Review status: criteria provided, single submitter. Criteria: ACMG Guidelines, 2015. Collection method: clinical testing. Allele origin: germline.

Ambry Genetics
Classification: Uncertain significance for Inborn genetic diseases. Last evaluated: 2023-01-24. Review status: criteria provided, single submitter. Criteria: Ambry Variant Classification Scheme 2023. Collection method: clinical testing. Allele origin: germline.
Comment: The c.906+1G>A intronic alteration consists of a G to A substitution nucleotides after coding exon 6 in the GSN gene. Based on insufficient or conflicting evidence, the clinical significance of this alteration remains unclear.

Women's Health and Genetics/Laboratory Corporation of America, LabCorp
Classification: Uncertain significance. Last evaluated: 2022-10-21. Review status: criteria provided, single submitter. Criteria: LabCorp Variant Classification Summary - May 2015. Collection method: clinical testing. Allele origin: germline.
Comment: Variant summary: GSN c.906+1G>A is located in a canonical splice-site and is predicted to affect mRNA splicing resulting in a significantly altered protein due to either exon skipping, shortening, or inclusion of intronic material. Several computational tools predict a significant impact on normal splicing: Four predict the variant abolishes a canonical 5' splicing donor site. However, these predictions have yet to be confirmed by functional studies. The variant allele was found at a frequency of 2.8e-05 in 249724 control chromosomes (gnomAD). The available data on variant occurrences in the general population are insufficient to allow any conclusion about variant significance. To our knowledge, no occurrence of c.906+1G>A in individuals affected with Meretoja Syndrome and no experimental evidence demonstrating its impact on protein function have been reported. One clinical diagnostic laboratory has submitted a clinical-significance assessment for this variant to ClinVar after 2014 without evidence for independent evaluation and classified the variant as uncertain significance. Based on the evidence outlined above, the variant was classified as uncertain significance.

Department of Pathology and Laboratory Medicine, Sinai Health System
Classification: Uncertain significance for Finnish type amyloidosis. Last evaluated: 2022-01-21. Review status: criteria provided, single submitter. Criteria: ACMG Guidelines, 2015. Collection method: research. Allele origin: germline.

Literature cited by the submitters: PubMed 16199547 (cited by Labcorp Genetics (formerly Invitae), Labcorp).

NM_198252.3(GSN):c.753+1G>A

Gene: GSN (gelsolin; plus strand). Cytogenetic location: 9q33.2.
Variant type: single nucleotide variant.
Coding change: c.753+1G>A on transcript NM_198252.3 (MANE Select); the canonical splice donor site of the intron after coding-DNA position 753, G replaced by A.
Molecular consequence: splice donor variant.
Genome position (GRCh38, 1-based): chr9:121,314,024, G>A. VCF-style: chr9-121314024-G-A. GRCh37 (hg19) VCF-style: chr9-124076302-G-A.
Other names: c.753+1G>A (NM_001353054.1, NM_001353053.1, NM_001353060.2 and 10 more transcripts); c.786+1G>A (NM_001353064.2, NM_001353066.2, NM_001353073.2 and 13 more transcripts); c.861+1G>A (NM_001127663.2); c.825+1G>A (NM_001353076.2); c.99+1G>A (NM_001353078.2); c.804+1G>A (NM_001258029.2); c.777+1G>A (NM_001258030.2); c.906+1G>A (NM_000177.5).
Identifiers: ClinVar variation 1349492 (VCV001349492.14), dbSNP rs369830648, ClinGen allele CA5221021.